The following is an entry in ClinVar:

ClinVar aggregate classification (germline): Uncertain significance (1 of 4 stars; one submission).

Conditions:
Growth hormone insensitivity with immune dysregulation 1, autosomal recessive. Also called: LARON SYNDROME DUE TO POSTRECEPTOR DEFECT; Laron syndrome with immunodeficiency; GROWTH HORMONE INSENSITIVITY DUE TO POSTRECEPTOR DEFECT; GROWTH HORMONE INSENSITIVITY SYNDROME WITH IMMUNE DYSREGULATION 1, AUTOSOMAL RECESSIVE. Identifiers: Orphanet 220465, MedGen C5435698, MONDO:0100211, OMIM 245590.

Allele frequency attached by ClinVar (database versions not stated): gnomAD exomes below 0.00001; TOPMed below 0.00001.
gnomAD v4.1: 6 of 1,614,048 alleles (0.00037%); highest among the groups gnomAD compares: Middle Eastern, 0.016%; no homozygotes.

Submission:

Labcorp Genetics (formerly Invitae), Labcorp
Classification: Uncertain significance for Growth hormone insensitivity with immune dysregulation 1, autosomal recessive. Last evaluated: 2023-04-10. Review status: criteria provided, single submitter. Criteria: Invitae Variant Classification Sherloc (09022015). Collection method: clinical testing. Allele origin: germline.
Comment: This sequence change replaces aspartic acid, which is acidic and polar, with glycine, which is neutral and non-polar, at codon 778 of the STAT5B protein (p.Asp778Gly). The frequency data for this variant in the population databases is considered unreliable, as metrics indicate poor data quality at this position in the gnomAD database. This variant has not been reported in the literature in individuals affected with STAT5B-related conditions. An algorithm developed to predict the effect of missense changes on protein structure and function (PolyPhen-2) suggests that this variant is likely to be disruptive. In summary, the available evidence is currently insufficient to determine the role of this variant in disease. Therefore, it has been classified as a Variant of Uncertain Significance.

NM_012448.4(STAT5B):c.2333A>G (p.Asp778Gly)

Gene: STAT5B (signal transducer and activator of transcription 5B; minus strand). Cytogenetic location: 17q21.2.
Variant type: single nucleotide variant.
Coding change: c.2333A>G on transcript NM_012448.4 (MANE Select); coding-DNA position 2333, A replaced by G.
Protein change: p.Asp778Gly; replaces aspartic acid 778 with glycine.
Molecular consequence: missense variant.
Genome position (GRCh38, 1-based): chr17:42,201,769, T>C on the plus strand (A>G on the coding strand, the complement: STAT5B is on the minus strand). VCF-style: chr17-42201769-T-C. GRCh37 (hg19) VCF-style: chr17-40353787-T-C.
Other names: short protein forms D778G.
Identifiers: ClinVar variation 2877809 (VCV002877809.3), dbSNP rs1316589368, ClinGen allele CA399572378.